The following is an entry in ClinVar:

ClinVar aggregate classification (germline): Uncertain significance (1 of 4 stars; one submission).

Allele frequency attached by ClinVar (database versions not stated): gnomAD 0.00002; TOPMed 0.00002.
gnomAD v4.1: 6 of 1,536,086 alleles (0.00039%); highest among the groups gnomAD compares: African/African-American, 0.0086%; no homozygotes.

Submission:

Labcorp Genetics (formerly Invitae), Labcorp
Classification: Uncertain significance. Last evaluated: 2022-02-25. Review status: criteria provided, single submitter. Criteria: Invitae Variant Classification Sherloc (09022015). Collection method: clinical testing. Allele origin: germline.
Comment: This sequence change replaces aspartic acid, which is acidic and polar, with glutamic acid, which is acidic and polar, at codon 1117 of the GRIN2D protein (p.Asp1117Glu). This variant is present in population databases (no rsID available, gnomAD 0.006%). This variant has not been reported in the literature in individuals affected with GRIN2D-related conditions. Advanced modeling of protein sequence and biophysical properties (such as structural, functional, and spatial information, amino acid conservation, physicochemical variation, residue mobility, and thermodynamic stability) performed at Invitae indicates that this missense variant is not expected to disrupt GRIN2D protein function. In summary, the available evidence is currently insufficient to determine the role of this variant in disease. Therefore, it has been classified as a Variant of Uncertain Significance.

NM_000836.4(GRIN2D):c.3351C>G (p.Asp1117Glu)

Gene: GRIN2D (glutamate ionotropic receptor NMDA type subunit 2D; plus strand). Cytogenetic location: 19q13.33.
Variant type: single nucleotide variant.
Coding change: c.3351C>G on transcript NM_000836.4 (MANE Select); coding-DNA position 3351, C replaced by G.
Protein change: p.Asp1117Glu; replaces aspartic acid 1117 with glutamic acid.
Molecular consequence: missense variant.
Genome position (GRCh38, 1-based): chr19:48,443,277, C>G. VCF-style: chr19-48443277-C-G. GRCh37 (hg19) VCF-style: chr19-48946534-C-G.
Other names: short protein forms D1117E.
Identifiers: ClinVar variation 1990494 (VCV001990494.4), dbSNP rs747902420, ClinGen allele CA406675765.